The following is an entry in ClinVar:

NM_005055.5(RAPSN):c.316T>C (p.Cys106Arg)

Gene: RAPSN (receptor associated protein of the synapse; minus strand). Cytogenetic location: 11p11.2.
Variant type: single nucleotide variant.
Coding change: c.316T>C on transcript NM_005055.5 (MANE Select); coding-DNA position 316, T replaced by C.
Protein change: p.Cys106Arg; replaces cysteine 106 with arginine.
Molecular consequence: missense variant.
Genome position (GRCh38, 1-based): chr11:47,448,027, A>G on the plus strand (T>C on the coding strand, the complement: RAPSN is on the minus strand). VCF-style: chr11-47448027-A-G. GRCh37 (hg19) VCF-style: chr11-47469579-A-G.
Other names: c.316T>C, p.Cys106Arg (NM_032645.5); short protein forms C106R.
Identifiers: ClinVar variation 1021793 (VCV001021793.6), dbSNP rs777801296, ClinGen allele CA221722170.

ClinVar aggregate classification (germline): Uncertain significance (1 of 4 stars; one submission).

Conditions:
Congenital myasthenic syndrome 11. Also called: MYASTHENIC SYNDROME, CONGENITAL, Ie; Myasthenic syndrome, congenital, 11, associated with acetylcholine receptor deficiency. Identifiers: Orphanet 590, MedGen C4225367, MONDO:0014588, OMIM 616326.
Fetal akinesia deformation sequence 1 (FADS1). Also called: Fetal akinesia sequence; Pena-Shokeir syndrome type I. Identifiers: Orphanet 994, MedGen C1276035, MONDO:0100101, OMIM 208150, HP:0001989.

Allele frequency attached by ClinVar (database versions not stated): gnomAD exomes below 0.00001.

Submission:

Labcorp Genetics (formerly Invitae), Labcorp
Classification: Uncertain significance for Congenital myasthenic syndrome 11; Fetal akinesia deformation sequence 1. Last evaluated: 2021-08-31. Review status: criteria provided, single submitter. Criteria: Invitae Variant Classification Sherloc (09022015). Collection method: clinical testing. Allele origin: germline.
Comment: This sequence change replaces cysteine with arginine at codon 106 of the RAPSN protein (p.Cys106Arg). The cysteine residue is highly conserved and there is a large physicochemical difference between cysteine and arginine. This variant is not present in population databases (ExAC no frequency). This missense change has been observed in individual(s) with clinical features of RAPSN-related conditions (PMID: 21520333). In at least one individual the data is consistent with the variant being in trans (on the opposite chromosome) from a pathogenic variant. Algorithms developed to predict the effect of missense changes on protein structure and function are either unavailable or do not agree on the potential impact of this missense change (SIFT: "Deleterious"; PolyPhen-2: "Possibly Damaging"; Align-GVGD: "Class C0"). In summary, the available evidence is currently insufficient to determine the role of this variant in disease. Therefore, it has been classified as a Variant of Uncertain Significance.

Literature cited by the submitters: PubMed 21520333.